The following is an entry in ClinVar:

ClinVar aggregate classification (germline): Uncertain significance (1 of 4 stars; one submission).

Conditions:
Wilson disease (WND). Also called: Wilson's disease. Identifiers: Orphanet 905, MedGen C0019202, MONDO:0010200, OMIM 277900. Disease mechanism: loss of function.

Allele frequency attached by ClinVar (database versions not stated): ExAC 0.00001; gnomAD 0.00001; gnomAD exomes 0.00001; 1000 Genomes Project 30x 0.00016; 1000 Genomes Project 0.00020.
gnomAD v4.1: 10 of 1,614,232 alleles (0.00062%); highest among the groups gnomAD compares: South Asian, 0.0088%; 1 homozygote.

Submission:

Labcorp Genetics (formerly Invitae), Labcorp
Classification: Uncertain significance for Wilson disease. Last evaluated: 2025-08-18. Review status: criteria provided, single submitter. Criteria: Invitae Variant Classification Sherloc (09022015). Collection method: clinical testing. Allele origin: germline.
Comment: This sequence change falls in intron 11 of the ATP7B gene. It does not directly change the encoded amino acid sequence of the ATP7B protein. It affects a nucleotide within the consensus splice site. This variant is present in population databases (rs562091841, gnomAD 0.008%). This variant has not been reported in the literature in individuals affected with ATP7B-related conditions. ClinVar contains an entry for this variant (Variation ID: 1444880). Variants that disrupt the consensus splice site are a relatively common cause of aberrant splicing (PMID: 17576681, 9536098). Algorithms developed to predict the effect of sequence changes on RNA splicing suggest that this variant is not likely to affect RNA splicing. In summary, the available evidence is currently insufficient to determine the role of this variant in disease. Therefore, it has been classified as a Variant of Uncertain Significance.

Literature cited by the submitters: PubMed 17576681; PubMed 9536098.

NM_000053.4(ATP7B):c.2730+4A>G

Gene: ATP7B (ATPase copper transporting beta; minus strand). Cytogenetic location: 13q14.3.
Variant type: single nucleotide variant.
Coding change: c.2730+4A>G on transcript NM_000053.4 (MANE Select); 4 bases into the intron after coding-DNA position 2730, A replaced by G.
Molecular consequence: intron variant.
Genome position (GRCh38, 1-based): chr13:51,950,003, T>C on the plus strand (A>G on the coding strand, the complement: ATP7B is on the minus strand). VCF-style: chr13-51950003-T-C. GRCh37 (hg19) VCF-style: chr13-52524139-T-C.
Other names: c.2397+4A>G (NM_001243182.2); c.2244+4A>G (NM_001005918.3); c.2478+4A>G (NM_001330579.2); c.2496+4A>G (NM_001330578.2).
Identifiers: ClinVar variation 1444880 (VCV001444880.6), dbSNP rs562091841, ClinGen allele CA6988933.